The following is an entry in ClinVar:

ClinVar aggregate classification (germline): Conflicting classifications of pathogenicity. Review status: criteria provided, conflicting classifications (1 of 4 stars). 2 submissions from 2 submitters: Likely pathogenic (1); Uncertain significance (1). Last evaluated 2026-04-14.

Conditions:
Progressive familial intrahepatic cholestasis type 2. Identifiers: Orphanet 79304, MedGen C3489789, MONDO:0011156, OMIM 601847.
Familial intrahepatic cholestasis. Identifiers: Orphanet 284385, MedGen CN296401, MONDO:0017290.

Submissions (2):

Genomenon, Inc
Classification: Uncertain significance for Familial intrahepatic cholestasis. Last evaluated: 2026-04-14. Review status: criteria provided, single submitter. Criteria: Genomenon Sequence Variant Interpretation Standards - Updated. Collection method: curation. Allele origin: germline. Affected: yes.
Comment: ABCB11 p.Asp1131Val (c.3392A>T) is a missense variant that changes the amino acid at residue 1131 from Aspartic acid to Valine. This variant has been observed in at least one proband with an ABCB11-related disorder (PMID:27050426;24969679). It has been observed in trans with a pathogenic or likely pathogenic variant (PMID:27050426;24969679). It is absent or not present at a significant frequency in gnomAD. In silico models predict that this variant is possibly or probably damaging. In conclusion, we classify ABCB11 p.Asp1131Val (c.3392A>T) as a variant of uncertain significance.

Natera, Inc.
Classification: Likely pathogenic for Progressive familial intrahepatic cholestasis type 2. Last evaluated: 2025-11-05. Review status: criteria provided, single submitter. Criteria: Natera Variant Classification Schema (03/2026). Collection method: clinical testing. Allele origin: germline.
Comment: The c.3392A>T variant in ABCB11 is a missense variant predicted to cause substitution of aspartic acid to valine at amino acid 1131. This variant is rare in the general population with a frequency below the threshold expected for the associated phenotype(s). This variant has been observed in one or more individuals affected with the associated recessive disease, as either homozygous or compound heterozygous with a second variant (PMID: 24969679, 27050426). Computational prediction algorithms indicate this variant is likely to affect gene or protein function. Given the available evidence, this variant is classified as Likely Pathogenic.

Literature cited by the submitters: PubMed 27050426 (cited by Genomenon, Inc and Natera, Inc.); PubMed 24969679 (cited by Genomenon, Inc and Natera, Inc.).

NM_003742.4(ABCB11):c.3392A>T (p.Asp1131Val)

Gene: ABCB11 (ATP binding cassette subfamily B member 11; minus strand). Cytogenetic location: 2q31.1.
Variant type: single nucleotide variant.
Coding change: c.3392A>T on transcript NM_003742.4 (MANE Select); coding-DNA position 3392, A replaced by T.
Protein change: p.Asp1131Val; replaces aspartic acid 1131 with valine.
Molecular consequence: missense variant.
Genome position (GRCh38, 1-based): chr2:168,930,684, T>A on the plus strand (A>T on the coding strand, the complement: ABCB11 is on the minus strand). VCF-style: chr2-168930684-T-A. GRCh37 (hg19) VCF-style: chr2-169787194-T-A.
Other names: short protein forms D1131V.
Identifiers: ClinVar variation 4815277 (VCV004815277.2).
Genomic context (GRCh38, chr2:168,930,684, plus strand): 5'-TCTGCAGAAGGCAAAATTCTCAAAAAGGTTGCGTGGCTTACCACCTTCCCTTGATCAGGA[T>A]CATAGAAACGTTCCAACAGCTGAATGCTAGTGCTTTTGCCACATCCACTGCTCCCAACAA-3'
Protein context (NP_003733.2, residues 1121-1141): TSIQLLERFY[Asp1131Val]PDQGKVMIDG